The following is an entry in ClinVar:

ClinVar aggregate classification (germline): Likely benign. Review status: criteria provided, multiple submitters, no conflicts (2 of 4 stars). 3 submissions from 3 submitters: Likely benign (3). Last evaluated 2026-01-04.

Conditions:
Hereditary cancer-predisposing syndrome. Also called: Hereditary neoplastic syndrome; Neoplastic Syndromes, Hereditary; Hereditary Cancer Syndrome; Tumor predisposition. Identifiers: Orphanet 140162, MedGen C0027672, MeSH D009386, MONDO:0015356.
Gorlin syndrome. Also called: Nevoid Basal Cell Carcinoma Syndrome; Basal cell nevus syndrome. Identifiers: Orphanet 377, MedGen C0004779, MONDO:0007187.
Medulloblastoma (MDB). Also called: MEDULLOBLASTOMA PREDISPOSITION SYNDROME; Medulloblastoma, somatic. Identifiers: Orphanet 616, MedGen C0025149, MeSH D008527, MONDO:0007959, OMIM 155255, HP:0002885.

Allele frequency attached by ClinVar (database versions not stated): gnomAD 0.00001; TOPMed 0.00002.
gnomAD v4.1: 7 of 1,614,010 alleles (0.00043%); highest among the groups gnomAD compares: Middle Eastern, 0.016%; no homozygotes.

Submissions (3):

Labcorp Genetics (formerly Invitae), Labcorp
Classification: Likely benign for Gorlin syndrome; Medulloblastoma. Last evaluated: 2026-01-04. Review status: criteria provided, single submitter. Criteria: Invitae Variant Classification Sherloc (09022015). Collection method: clinical testing. Allele origin: germline.

CeGaT Center for Human Genetics Tuebingen
Classification: Likely benign. Last evaluated: 2025-08-01. Review status: criteria provided, single submitter. Criteria: CeGaT Center For Human Genetics Tuebingen Variant Classification Criteria Version 2. Collection method: clinical testing. Allele origin: germline. Affected: yes. Observed: 1 variant allele.
Comment: SUFU: BP4, BP7

Ambry Genetics
Classification: Likely benign for Hereditary cancer-predisposing syndrome. Last evaluated: 2018-11-09. Review status: criteria provided, single submitter. Criteria: Ambry Variant Classification Scheme 2023. Collection method: clinical testing. Allele origin: germline.

NM_016169.4(SUFU):c.1104C>T (p.Ser368=)

Gene: SUFU (SUFU negative regulator of hedgehog signaling; plus strand). Cytogenetic location: 10q24.32.
Variant type: single nucleotide variant.
Coding change: c.1104C>T on transcript NM_016169.4 (MANE Select); coding-DNA position 1104, C replaced by T.
Protein change: p.Ser368=; no amino-acid change (serine 368 retained).
Molecular consequence: synonymous variant.
Genome position (GRCh38, 1-based): chr10:102,615,349, C>T. VCF-style: chr10-102615349-C-T. GRCh37 (hg19) VCF-style: chr10-104375106-C-T.
Other names: c.1104C>T, p.Ser368= (NM_001178133.2).
Identifiers: ClinVar variation 453953 (VCV000453953.24), dbSNP rs746580970, ClinGen allele CA5667869.